The following is an entry in ClinVar:

ClinVar aggregate classification (germline): Uncertain significance. Review status: criteria provided, single submitter (1 of 4 stars). 2 submissions from 2 submitters: Uncertain significance (1). 1 of the submissions does not count toward it. Last evaluated 2014-05-08.

Conditions:
ARFGEF2-related disorder. Also called: ARFGEF2-related condition.

Allele frequency attached by ClinVar (database versions not stated): gnomAD 0.00007 and 0.00008; ESP Exome Variant Server 0.00008; TOPMed 0.00012.
gnomAD v4.1: 82 of 1,613,746 alleles (0.0051%); highest among the groups gnomAD compares: Admixed American, 0.03%; no homozygotes.

Submissions (2):

Genetic Services Laboratory, University of Chicago
Classification: Uncertain significance. Last evaluated: 2014-05-08. Review status: criteria provided, single submitter. Criteria: ACMG Guidelines, 2015. Collection method: clinical testing. Allele origin: germline.

PreventionGenetics, part of Exact Sciences
Classification: Likely benign for ARFGEF2-related condition. Last evaluated: 2019-06-18. Review status: no assertion criteria provided. Collection method: clinical testing. Allele origin: germline. Not counted in ClinVar's aggregate classification.
Comment: This variant is classified as likely benign based on ACMG/AMP sequence variant interpretation guidelines (Richards et al. 2015 PMID: 25741868, with internal and published modifications).

NM_006420.3(ARFGEF2):c.2276+6C>T

Gene: ARFGEF2 (ARF guanine nucleotide exchange factor 2; plus strand). Cytogenetic location: 20q13.13.
Variant type: single nucleotide variant.
Coding change: c.2276+6C>T on transcript NM_006420.3 (MANE Select); 6 bases into the intron after coding-DNA position 2276, C replaced by T.
Molecular consequence: intron variant.
Genome position (GRCh38, 1-based): chr20:48,985,619, C>T. VCF-style: chr20-48985619-C-T. GRCh37 (hg19) VCF-style: chr20-47602156-C-T.
Identifiers: ClinVar variation 210232 (VCV000210232.8), dbSNP rs368941506, ClinGen allele CA209520.
Genomic context (GRCh38, chr20:48,985,619, plus strand): 5'-AGATTGACCGATTAATGGAGAAGTTTGCCGCAAGATACATAGAATGCAACCAAGGGTGAG[C>T]GCCGATTTTGAGTCCCTTCCAGATCATCTGTTTGCCTGCCTCAGAACGCTAATTCTAATT-3'